The following is an entry in ClinVar:

ClinVar aggregate classification (germline): Pathogenic. Review status: reviewed by expert panel (3 of 4 stars). 23 submissions from 23 submitters: Pathogenic (1). 22 of the submissions do not count toward it. Last evaluated 2016-04-22.

Conditions:
BRCA2-related disorder. Also called: BRCA2-related condition; BRCA2-related disorders. Identifiers: MedGen CN239275.
Inherited breast cancer and ovarian cancer.
Breast and/or ovarian cancer. Identifiers: MedGen CN221562.
Hereditary cancer-predisposing syndrome. Also called: Tumor predisposition; Neoplastic Syndromes, Hereditary; Hereditary neoplastic syndrome; Hereditary Cancer Syndrome. Identifiers: Orphanet 140162, MedGen C0027672, MeSH D009386, MONDO:0015356.
Hereditary breast ovarian cancer syndrome. Also called: Hereditary breast and ovarian cancer; BRCA1- and BRCA2-Associated Hereditary Breast and Ovarian Cancer; Hereditary breast and/or ovarian cancer syndrome; Hereditary breast and ovarian cancer syndrome; Breast and ovarian cancer; Hereditary breast and ovarian cancer syndrome (HBOC). Identifiers: Orphanet 145, MedGen C0677776, MeSH D061325, MONDO:0003582. Disease mechanism: loss of function.
Breast-ovarian cancer, familial, susceptibility to, 2 (BROVCA2). Also called: BRCA2 Hereditary Breast and Ovarian Cancer. Identifiers: Orphanet 145, MedGen C2675520, MONDO:0012933, OMIM 612555. Disease mechanism: loss of function.
Familial cancer of breast. Also called: BREAST CANCER, FAMILIAL; hereditary breast carcinoma; Hereditary breast cancer. Identifiers: Orphanet 227535, MedGen C0346153, MONDO:0016419, OMIM 114480. Disease mechanism: loss of function.

Allele frequency attached by ClinVar (database versions not stated): TOPMed below 0.00001; gnomAD exomes 0.00001.
gnomAD v4.1: 16 of 1,614,062 alleles (0.00099%); highest among the groups gnomAD compares: Non-Finnish European, 0.0014%; no homozygotes.

Submissions 1 to 11 of 23:

Evidence-based Network for the Interpretation of Germline Mutant Alleles (ENIGMA)
Classification: Pathogenic for Breast-ovarian cancer, familial, susceptibility to, 2. Last evaluated: 2016-04-22. Review status: reviewed by expert panel. Criteria: ENIGMA BRCA1/2 Classification Criteria (2015). Collection method: curation. Allele origin: germline.
Comment: Variant allele predicted to encode a truncated non-functional protein.

Genomics and Molecular Medicine Service, East Genomic Laboratory Hub, NHS Genomic Medicine Service
Classification: Pathogenic for Inherited breast cancer and ovarian cancer. Last evaluated: 2026-06-03. Review status: criteria provided, single submitter. Criteria: ACGS Best Practice Guidelines for Variant Classification in Rare Disease 2020. Collection method: clinical testing. Allele origin: germline. Affected: yes. Not counted in ClinVar's aggregate classification.
Comment: PVS1,PM2_Supporting,PM5_Strong

Labcorp Genetics (formerly Invitae), Labcorp
Classification: Pathogenic for Hereditary breast ovarian cancer syndrome. Last evaluated: 2026-01-19. Review status: criteria provided, single submitter. Criteria: Invitae Variant Classification Sherloc (09022015). Collection method: clinical testing. Allele origin: germline. Not counted in ClinVar's aggregate classification.
Comment: This sequence change creates a premature translational stop signal (p.Trp2586*) in the BRCA2 gene. It is expected to result in an absent or disrupted protein product. Loss-of-function variants in BRCA2 are known to be pathogenic (PMID: 20104584). This variant is present in population databases (rs80359003, gnomAD 0.002%). This premature translational stop signal has been observed in individual(s) with hereditary breast and ovarian cancer and prostate cancer (PMID: 11802209, 12673801, 16528604, 23035815, 23569316, 23633455, 25485004). ClinVar contains an entry for this variant (Variation ID: 52401). For these reasons, this variant has been classified as Pathogenic.

Color Diagnostics, LLC DBA Color Health
Classification: Pathogenic for Hereditary cancer-predisposing syndrome. Last evaluated: 2025-12-08. Review status: criteria provided, single submitter. Criteria: ACMG Guidelines, 2015. Collection method: clinical testing. Allele origin: germline. Not counted in ClinVar's aggregate classification.
Comment: This variant changes 1 nucleotide in exon 16 of the BRCA2 gene, creating a premature translation stop signal. This variant is expected to result in an absent or non-functional protein product. Functional studies have reported that this variant impacted BRCA2 in a rescue of BRCA2-deficiency in cell proliferation and sensitivity to cisplatin and PARP inhibitor sensitivity assays and in a haploid cell proliferation assay (PMID: 39779848, 39779857). This variant has been reported in several individuals affected with breast and/or ovarian cancer (PMID: 12673801, 22711857, 23633455, 24333842, 33113089, 33471991, Color internal data). This variant has been identified in families with suspected hereditary breast and ovarian cancer syndrome, including 21 families among the CIMBA participants (PMID: 11802209, 16528604, 29446198). Multifactorial analysis reached a combined likelihood ratio (LR) of 34023.83 based on breast cancer case-control data and personal and family history for 6 carriers (PMID: 31853058, 40413188). This variant has been identified in 16/1614062 chromosomes in the general population by the Genome Aggregation Database (gnomAD). Loss of BRCA2 function is a known mechanism of disease. Based on the available evidence, this variant is classified as Pathogenic.

Mayo Clinic Laboratories, Mayo Clinic
Classification: Pathogenic. Last evaluated: 2025-10-11. Review status: criteria provided, single submitter. Criteria: ACMG Guidelines, 2015. Collection method: clinical testing. Allele origin: germline. Observed: 1 variant allele. Not counted in ClinVar's aggregate classification.
Comment: PM5_strong, PVS1

Genetics Laboratory, Great Ormond Street Hospital NHS Foundation Trust, North Thames Genomic Laboratory Hub
Classification: Pathogenic for Inherited breast cancer and ovarian cancer. Last evaluated: 2025-07-23. Review status: criteria provided, single submitter. Criteria: CanVIG BRCA Gene Specific V1.22. Collection method: clinical testing. Allele origin: germline. Affected: yes. Not counted in ClinVar's aggregate classification.
Comment: PS4_supporting, PM2_supporting, PVS1_very-strong, PM5_strong, PP4_supporting

Molecular Pathology, Peter Maccallum Cancer Centre
Classification: Pathogenic for Breast-ovarian cancer, familial, susceptibility to, 2. Last evaluated: 2025-05-14. Review status: criteria provided, single submitter. Criteria: ACMG Guidelines, 2015. Collection method: clinical testing. Allele origin: germline. Inheritance: Autosomal dominant inheritance. Not counted in ClinVar's aggregate classification.

Quest Diagnostics Nichols Institute San Juan Capistrano
Classification: Pathogenic. Last evaluated: 2025-04-29. Review status: criteria provided, single submitter. Criteria: Quest Diagnostics criteria. Collection method: clinical testing. Allele origin: unknown. Not counted in ClinVar's aggregate classification.
Comment: The BRCA2 c.7757G>A (p.Trp2586*) variant has been reported in the published literature in individuals with breast (PMIDs: 12673801 (2003), 33113089 (2021), 33758026 (2022)), ovarian (PMID: 23633455 (2013)), and/or prostate cancer (PMIDs: 23035815 (2012), 25485004 (2014)), as well as in a reportedly unaffected individual in a large scale breast cancer association study (PMID: 33471991 (2021), see also LOVD). The frequency of this variant in the general population (Genome Aggregation Database) is uninformative in the assessment of its pathogenicity. Based on the available information, this variant is classified as pathogenic.

Blueprint Genetics
Classification: Pathogenic for BRCA2-related disorders. Last evaluated: 2024-11-11. Review status: criteria provided, single submitter. Criteria: ACMG Guidelines, 2015. Collection method: clinical testing. Allele origin: germline. Affected: yes. Observed: 2 variant alleles. Not counted in ClinVar's aggregate classification.

Ambry Genetics
Classification: Pathogenic for Hereditary cancer-predisposing syndrome. Last evaluated: 2024-09-27. Review status: criteria provided, single submitter. Criteria: Ambry Variant Classification Scheme 2023. Collection method: clinical testing. Allele origin: germline. Not counted in ClinVar's aggregate classification.
Comment: The p.W2586* pathogenic mutation (also known as c.7757G>A), located in coding exon 15 of the BRCA2 gene, results from a G to A substitution at nucleotide position 7757. This changes the amino acid from a tryptophan to a stop codon within coding exon 15. This alteration has been reported in multiple breast and/or ovarian cancer families (Perkowska M et al. Hum. Mutat., 2003 May;21:553-4; J&ouml;nsson G et al. Cancer Res., 2005 Sep;65:7612-21; Alsop K et al. J Clin Oncol, 2012 Jul;30:2654-63; Conner JR et al. Gynecol. Oncol., 2014 Feb;132:280-6; Walker R et al. Can Urol Assoc J, 2014 Nov;8:E783-8; Li JY et al. Int J Cancer, 2019 01;144:281-289; Petridis C et al. Cancer Epidemiol Biomarkers Prev, 2019 07;28:1162-1168; Lattimore V et al. Breast Cancer Res Treat, 2021 Feb;185:583-590; Dorling et al. N Engl J Med. 2021 02;384:428-439). This mutation has also been reported in individuals diagnosed with prostate cancer (Willems-Jones A et al. BJU Int. 2012 Dec;110(11 Pt C):E1181-6; Sandhu SK et al. Ann Oncol, 2013 May;24:1416-8; Walker R et al. Can Urol Assoc J 2014 Nov; 8(11-12):E783-8). This mutation has been identified in a large, worldwide study of BRCA1/2 mutation positive families (Rebbeck TR et al. Hum Mutat, 2018 05;39:593-620). Of note, this alteration is also designated as 7985G>A in published literature. In addition to the clinical data presented in the literature, this alteration is expected to result in loss of function by premature protein truncation or nonsense-mediated mRNA decay. As such, this alteration is interpreted as a disease-causing mutation.

Baylor Genetics
Classification: Pathogenic for Familial cancer of breast. Last evaluated: 2023-07-31. Review status: criteria provided, single submitter. Criteria: ACMG Guidelines, 2015. Collection method: clinical testing. Allele origin: unknown. Not counted in ClinVar's aggregate classification.

NM_000059.4(BRCA2):c.7757G>A (p.Trp2586Ter)

Gene: BRCA2 (BRCA2 DNA repair associated; plus strand). Cytogenetic location: 13q13.1.
Variant type: single nucleotide variant.
Coding change: c.7757G>A on transcript NM_000059.4 (MANE Select); coding-DNA position 7757, G replaced by A.
Protein change: p.Trp2586Ter; replaces tryptophan 2586 with a stop codon.
Molecular consequence: nonsense.
Genome position (GRCh38, 1-based): chr13:32,357,881, G>A. VCF-style: chr13-32357881-G-A. GRCh37 (hg19) VCF-style: chr13-32932018-G-A.
Other names: 7985G>A; short protein forms W2586*.
Identifiers: ClinVar variation 52401 (VCV000052401.39), dbSNP rs80359003, ClinGen allele CA025259.
Genomic context (GRCh38, chr13:32,357,881, plus strand): 5'-ATTATTTTGGTAAGGAAAGTTTATGGACTGGAAAAGGAATACAGTTGGCTGATGGTGGAT[G>A]GCTCATACCCTCCAATGATGGAAAGGCTGGAAAAGAAGAATTTTATAGGTACTCTATGCA-3'